The following is an entry in ClinVar:

NM_007294.4(BRCA1):c.5407-1G>T

Gene: BRCA1 (BRCA1 DNA repair associated; minus strand). Cytogenetic location: 17q21.31.
Variant type: single nucleotide variant.
Coding change: c.5407-1G>T on transcript NM_007294.4 (MANE Select); the canonical splice acceptor site of the intron before coding-DNA position 5407, G replaced by T.
Molecular consequence: splice acceptor variant.
Genome position (GRCh38, 1-based): chr17:43,047,704, C>A on the plus strand (G>T on the coding strand, the complement: BRCA1 is on the minus strand). VCF-style: chr17-43047704-C-A. GRCh37 (hg19) VCF-style: chr17-41199721-C-A.
Other names: c.5330-1G>T (NM_001407858.1, NM_001407860.1, NM_001407859.1); c.5404-1G>T (NM_001407616.1, NM_001407624.1, NM_001407626.1 and 14 more transcripts); c.5470-1G>T (NM_007300.4, NM_001407585.1, NM_001407583.1 and 1 more transcripts); c.5473-1G>T (NM_001407581.1, NM_001407582.1); c.4900-1G>T (NM_001407965.1); c.5140-1G>T (NM_001407930.1, NM_001407928.1, NM_001407929.1 and 4 more transcripts); c.5260-1G>T (NM_001407843.1, NM_001407842.1, NM_001407846.1 and 12 more transcripts); c.1957-1G>T (NM_001408456.1, NM_001408455.1, NM_001408452.1 and 3 more transcripts); and 83 more.
Identifiers: ClinVar variation 868073 (VCV000868073.3), dbSNP rs80358029, ClinGen allele CA10590659.

Conditions:
Breast-ovarian cancer, familial, susceptibility to, 1 (BROVCA1). Also called: BRCA1 Hereditary Breast and Ovarian Cancer; OVARIAN CANCER, SUSCEPTIBILITY TO. Identifiers: Orphanet 145, MedGen C2676676, MONDO:0011450, OMIM 604370. Disease mechanism: loss of function.

Submission:

Brotman Baty Institute, University of Washington
No classification provided (evidence only). Condition: Breast-ovarian cancer, familial 1. Review status: no classification provided. Collection method: in vitro. Allele origin: not applicable. Functional consequence: functionally_abnormal.
ClinVar note: "not provided" was previously submitted as the classification for the variant. However, the classification appeared to be based only on an observation of functional data so it was converted to no classification on 2025-07-30.